The following is an entry in ClinVar:

NM_205836.3(FBXO38):c.688C>A (p.Leu230Ile)

Gene: FBXO38 (F-box protein 38; plus strand). Cytogenetic location: 5q32.
Variant type: single nucleotide variant.
Coding change: c.688C>A on transcript NM_205836.3 (MANE Select); coding-DNA position 688, C replaced by A.
Protein change: p.Leu230Ile; replaces leucine 230 with isoleucine.
Molecular consequence: missense variant.
Genome position (GRCh38, 1-based): chr5:148,404,780, C>A. VCF-style: chr5-148404780-C-A. GRCh37 (hg19) VCF-style: chr5-147784343-C-A.
Other names: c.688C>A, p.Leu230Ile (NM_001271723.2, NM_030793.5); short protein forms L230I.
Identifiers: ClinVar variation 857580 (VCV000857580.11), dbSNP rs763481232, ClinGen allele CA3497094.

ClinVar aggregate classification (germline): Uncertain significance (1 of 4 stars; one submission).

Conditions:
Distal hereditary motor neuropathy type 2. Identifiers: Orphanet 139525, MedGen C3711384, MeSH C580044, MONDO:0015352.

Allele frequency attached by ClinVar (database versions not stated): TOPMed below 0.00001.
gnomAD v4.1: 3 of 1,607,716 alleles (0.00019%); highest among the groups gnomAD compares: Non-Finnish European, 0.00017%; no homozygotes.

Submission:

Labcorp Genetics (formerly Invitae), Labcorp
Classification: Uncertain significance for Distal hereditary motor neuropathy type 2. Last evaluated: 2019-04-11. Review status: criteria provided, single submitter. Criteria: Invitae Variant Classification Sherloc (09022015). Collection method: clinical testing. Allele origin: germline.
Comment: This sequence change replaces leucine with isoleucine at codon 230 of the FBXO38 protein (p.Leu230Ile). The leucine residue is highly conserved and there is a small physicochemical difference between leucine and isoleucine. This variant has not been reported in the literature in individuals with FBXO38-related conditions. This variant is present in population databases (rs763481232, ExAC 0.002%). Algorithms developed to predict the effect of missense changes on protein structure and function are either unavailable or do not agree on the potential impact of this missense change (SIFT: "Deleterious"; PolyPhen-2: "Benign"; Align-GVGD: "Class C0"). In summary, the available evidence is currently insufficient to determine the role of this variant in disease. Therefore, it has been classified as a Variant of Uncertain Significance.